The following is an entry in ClinVar:

ClinVar aggregate classification (germline): Conflicting classifications of pathogenicity. Review status: criteria provided, conflicting classifications (1 of 4 stars). 8 submissions from 8 submitters: Uncertain significance (1); Likely benign (6). 1 of the submissions does not count toward it. Last evaluated 2026-01-20.

Conditions:
NOD2-related disorder. Also called: NOD2-related condition.
Regional enteritis. Also called: Enteritis, Granulomatous. Identifiers: MedGen C0678202, MeSH D003424.
Blau syndrome (BLAUS). Also called: GRANULOMATOSIS, FAMILIAL JUVENILE SYSTEMIC; GRANULOMATOSIS, FAMILIAL, BLAU TYPE; GRANULOMATOUS INFLAMMATORY ARTHRITIS, DERMATITIS, AND UVEITIS, FAMILIAL; JABS SYNDROME; ARTHROCUTANEOUVEAL GRANULOMATOSIS. Identifiers: Orphanet 90340, MedGen C5201146, MONDO:0008523, OMIM 186580.
Inflammatory bowel disease 1 (IBD1). Also called: Inflammatory bowel disease 1, Crohn disease; INFLAMMATORY BOWEL DISEASE (CROHN DISEASE) 1. Identifiers: MedGen CN260071, MONDO:0009960, OMIM 266600.
Autoinflammatory syndrome. Identifiers: Orphanet 93665, MedGen C3890737, MONDO:0019751.

Allele frequency attached by ClinVar (database versions not stated): gnomAD exomes 0.00010 and 0.00021; ExAC 0.00024; 1000 Genomes Project 30x 0.00031; 1000 Genomes Project 0.00040; gnomAD 0.00074 and 0.00076; ESP Exome Variant Server 0.00092; TOPMed 0.00094.
gnomAD v4.1: 286 of 1,613,762 alleles (0.018%); highest among the groups gnomAD compares: African/African-American, 0.27%; no homozygotes.

Submissions (8):

Labcorp Genetics (formerly Invitae), Labcorp
Classification: Likely benign for Regional enteritis; Blau syndrome. Last evaluated: 2026-01-20. Review status: criteria provided, single submitter. Criteria: Invitae Variant Classification Sherloc (09022015). Collection method: clinical testing. Allele origin: germline.

GeneDx
Classification: Uncertain significance. Last evaluated: 2025-02-01. Review status: criteria provided, single submitter. Criteria: GeneDx Variant Classification Process June 2021. Collection method: clinical testing. Allele origin: germline. Affected: yes.
Comment: Observed in a patient with suspected mendelian susceptibility to mycobacterial disease in published literature; however, this patient also had a variant in another gene that may have been causative for the phenotype (PMID: 34517836); In silico analysis supports that this missense variant has a deleterious effect on protein structure/function; This variant is associated with the following publications: (PMID: 34517836)

Blueprint Genetics
Classification: Likely benign. Last evaluated: 2024-09-23. Review status: criteria provided, single submitter. Criteria: ACMG Guidelines, 2015. Collection method: clinical testing. Allele origin: germline.

CeGaT Center for Human Genetics Tuebingen
Classification: Likely benign. Last evaluated: 2024-07-01. Review status: criteria provided, single submitter. Criteria: CeGaT Center For Human Genetics Tuebingen Variant Classification Criteria Version 2. Collection method: clinical testing. Allele origin: germline. Affected: yes. Observed: 2 variant alleles.
Comment: NOD2: BP4, BS1

Dubai Health Genomic Medicine Center, Dubai Health
Classification: Likely benign for Inflammatory bowel disease 1. Last evaluated: 2020-07-22. Review status: criteria provided, single submitter. Criteria: ACMG Guidelines, 2015. Collection method: clinical testing. Allele origin: germline. Affected: yes.

Genome Diagnostics Laboratory, The Hospital for Sick Children
Classification: Likely benign for Autoinflammatory syndrome. Last evaluated: 2019-05-01. Review status: criteria provided, single submitter. Criteria: ACMG Guidelines, 2015. Collection method: clinical testing. Allele origin: germline. Affected: yes.

Breakthrough Genomics
Classification: Likely benign. Review status: criteria provided, single submitter. Criteria: ACMG Guidelines, 2015. Collection method: not provided. Allele origin: germline. Inheritance: Autosomal dominant inheritance. Affected: yes.

PreventionGenetics, part of Exact Sciences
Classification: Likely benign for NOD2-related condition. Last evaluated: 2022-12-08. Review status: no assertion criteria provided. Collection method: clinical testing. Allele origin: germline. Not counted in ClinVar's aggregate classification.
Comment: This variant is classified as likely benign based on ACMG/AMP sequence variant interpretation guidelines (Richards et al. 2015 PMID: 25741868, with internal and published modifications).

NM_001370466.1(NOD2):c.293C>T (p.Pro98Leu)

Gene: NOD2 (nucleotide binding oligomerization domain containing 2; plus strand). Cytogenetic location: 16q12.1.
Variant type: single nucleotide variant.
Coding change: c.293C>T on transcript NM_001370466.1 (MANE Select); coding-DNA position 293, C replaced by T.
Protein change: p.Pro98Leu; replaces proline 98 with leucine.
Molecular consequence: missense variant. On other transcripts: non-coding transcript variant (1).
Genome position (GRCh38, 1-based): chr16:50,699,788, C>T. VCF-style: chr16-50699788-C-T. GRCh37 (hg19) VCF-style: chr16-50733699-C-T.
Other names: c.293C>T, p.Pro98Leu (NM_001293557.2); c.374C>T, p.Pro125Leu (NM_022162.3); c.374C>T (NM_022162.1); short protein forms P125L, P98L.
Identifiers: ClinVar variation 531615 (VCV000531615.44), dbSNP rs149390911, ClinGen allele CA8051262.